The following is an entry in ClinVar:

NM_015295.3(SMCHD1):c.5052+52A>G

Gene: SMCHD1 (structural maintenance of chromosomes flexible hinge domain containing 1; plus strand). Cytogenetic location: 18p11.32.
Variant type: single nucleotide variant.
Coding change: c.5052+52A>G on transcript NM_015295.3 (MANE Select); 52 bases into the intron after coding-DNA position 5052, A replaced by G.
Molecular consequence: intron variant.
Genome position (GRCh38, 1-based): chr18:2,771,670, A>G. VCF-style: chr18-2771670-A-G. GRCh37 (hg19) VCF-style: chr18-2771668-A-G.
Identifiers: ClinVar variation 1706933 (VCV001706933.3), dbSNP rs116032096, ClinGen allele CA295486936.

ClinVar aggregate classification (germline): Likely benign. Review status: criteria provided, multiple submitters, no conflicts (2 of 4 stars). 2 submissions from 2 submitters: Likely benign (2). Last evaluated 2022-01-23.

Allele frequency attached by ClinVar (database versions not stated): gnomAD exomes 0.00033; 1000 Genomes Project 0.00339; 1000 Genomes Project 30x 0.00375; gnomAD 0.00397; ESP Exome Variant Server 0.00403; TOPMed 0.00471.
gnomAD v4.1: 1,010 of 1,345,708 alleles (0.075%); highest among the groups gnomAD compares: African/African-American, 1.4%; 10 homozygotes.

Submissions (2):

GeneDx
Classification: Likely benign. Last evaluated: 2022-01-23. Review status: criteria provided, single submitter. Criteria: GeneDx Variant Classification Process June 2021. Collection method: clinical testing. Allele origin: germline. Affected: yes.
Comment: See Variant Classification Assertion Criteria.

Breakthrough Genomics
Classification: Likely benign. Review status: criteria provided, single submitter. Criteria: ACMG Guidelines, 2015. Collection method: not provided. Allele origin: germline. Inheritance: Autosomal dominant inheritance. Affected: yes.